The following is an entry in ClinVar:

ClinVar aggregate classification (germline): Conflicting classifications of pathogenicity. Review status: criteria provided, conflicting classifications (1 of 4 stars). 3 submissions from 3 submitters: Uncertain significance (1); Likely benign (2). Last evaluated 2025-09-12.

Conditions:
Congenital contractural arachnodactyly (CCA). Also called: BEALS SYNDROME; Arthrogryposis, distal, type 9; Beals-Hecht syndrome. Identifiers: Orphanet 115, MedGen C0220668, MONDO:0007363, OMIM 121050.
Familial thoracic aortic aneurysm and aortic dissection (TAAD). Also called: Thoracic aortic aneurysms and dissections. Identifiers: Orphanet 91387, MedGen C4707243, MONDO:0019625.

gnomAD v4.1: 9 of 1,614,028 alleles (0.00056%); highest among the groups gnomAD compares: South Asian, 0.0088%; no homozygotes.

Submissions (3):

Labcorp Genetics (formerly Invitae), Labcorp
Classification: Likely benign for Congenital contractural arachnodactyly. Last evaluated: 2025-09-12. Review status: criteria provided, single submitter. Criteria: Invitae Variant Classification Sherloc (09022015). Collection method: clinical testing. Allele origin: germline.

Ambry Genetics
Classification: Likely benign for Familial thoracic aortic aneurysm and aortic dissection. Last evaluated: 2025-01-13. Review status: criteria provided, single submitter. Criteria: Ambry Variant Classification Scheme 2023. Collection method: clinical testing. Allele origin: germline.

Women's Health and Genetics/Laboratory Corporation of America, LabCorp
Classification: Uncertain significance. Last evaluated: 2024-05-13. Review status: criteria provided, single submitter. Criteria: LabCorp Variant Classification Summary - May 2015. Collection method: clinical testing. Allele origin: germline.
Comment: Variant summary: FBN2 c.8046G>A alters a conserved nucleotide resulting in a synonymous change. Several computational tools predict a significant impact on normal splicing: Four predict the variant creates a 3' acceptor site. However, these predictions have yet to be confirmed by functional studies. The variant allele was found at a frequency of 1.2e-05 in 251234 control chromosomes. The available data on variant occurrences in the general population are insufficient to allow any conclusion about variant significance. To our knowledge, no occurrence of c.8046G>A in individuals affected with FBN2-related conditions and no experimental evidence demonstrating its impact on protein function have been reported. No submitters have cited clinical-significance assessments for this variant to ClinVar. Based on the evidence outlined above, the variant was classified as uncertain significance.

NM_001999.4(FBN2):c.8046G>A (p.Ser2682=)

Gene: FBN2 (fibrillin 2; minus strand). Cytogenetic location: 5q23.3.
Variant type: single nucleotide variant.
Coding change: c.8046G>A on transcript NM_001999.4 (MANE Select); coding-DNA position 8046, G replaced by A.
Protein change: p.Ser2682=; no amino-acid change (serine 2682 retained).
Molecular consequence: synonymous variant.
Genome position (GRCh38, 1-based): chr5:128,263,571, C>T on the plus strand (G>A on the coding strand, the complement: FBN2 is on the minus strand). VCF-style: chr5-128263571-C-T. GRCh37 (hg19) VCF-style: chr5-127599263-C-T.
Other names: c.8046G>A (NM_001999.3).
Identifiers: ClinVar variation 3335999 (VCV003335999.4).
Genomic context (GRCh38, chr5:128,263,571, plus strand): 5'-GGAGGACGAGCACTCATTCACGTCGTGGCAGGCACTGGAGAACTGGTCGAAGGAGAACCC[C>T]GAGGGGCAGGCGCACTTGTAACTCCCCAGGGTGTTGTAGCAGGAAGCAGAGCCACAGGCA-3'
Protein context (NP_001990.2, residues 2672-2692): TLGSYKCACP[Ser2682=]GFSFDQFSSA